The following is an entry in ClinVar:

ClinVar aggregate classification (germline): Conflicting classifications of pathogenicity. Review status: criteria provided, conflicting classifications (1 of 4 stars). 3 submissions from 3 submitters: Uncertain significance (1); Likely benign (2). Last evaluated 2025-08-12.

Allele frequency attached by ClinVar (database versions not stated): ESP Exome Variant Server 0.00016; gnomAD 0.00005.
gnomAD v4.1: 159 of 1,609,392 alleles (0.0099%); highest among the groups gnomAD compares: Non-Finnish European, 0.011%; no homozygotes.

Submissions (3):

GeneDx
Classification: Uncertain significance. Last evaluated: 2025-08-12. Review status: criteria provided, single submitter. Criteria: GeneDx Variant Classification Process June 2021. Collection method: clinical testing. Allele origin: germline.
Comment: In silico analysis suggests that this variant does not alter splicing; Has not been previously published as pathogenic or benign to our knowledge; Reported using an alternate transcript of the gene

Blueprint Genetics
Classification: Likely benign. Last evaluated: 2024-08-06. Review status: criteria provided, single submitter. Criteria: ACMG Guidelines, 2015. Collection method: clinical testing. Allele origin: germline.

CeGaT Center for Human Genetics Tuebingen
Classification: Likely benign. Last evaluated: 2024-01-01. Review status: criteria provided, single submitter. Criteria: CeGaT Center For Human Genetics Tuebingen Variant Classification Criteria Version 2. Collection method: clinical testing. Allele origin: germline. Affected: yes. Observed: 2 variant alleles.
Comment: OPA3: BP4, BP7

NM_001017989.3(OPA3):c.454C>T (p.Leu152=)

Genes: OPA3 (outer mitochondrial membrane lipid metabolism regulator OPA3; minus strand), OPA3-RTN2 (OPA3-RTN2 readthrough; minus strand). Cytogenetic location: 19q13.32.
Variant type: single nucleotide variant.
Coding change: c.454C>T on transcript NM_001017989.3; coding-DNA position 454, C replaced by T.
Protein change: p.Leu152=; no amino-acid change (leucine 152 retained).
Molecular consequence: synonymous variant.
Genome position (GRCh38, 1-based): chr19:45,529,145, G>A on the plus strand (C>T on the coding strand, the complement: OPA3 is on the minus strand). VCF-style: chr19-45529145-G-A. GRCh37 (hg19) VCF-style: chr19-46032403-G-A.
Identifiers: ClinVar variation 2650115 (VCV002650115.24), dbSNP rs376630127, ClinGen allele CA9517276.
Genomic context (GRCh38, chr19:45,529,145, plus strand): 5'-GTGCAGGCGGCGGGTCTCGGAGGCAGAGGTGGGCTCGCACCTCCTGCAGCTGAGCGCGCA[G>A]CTCCTCCAGGGCGAGCTGCGTCGACGTCGCCTGCACCTGCGCCTGCAACTCCTCGAGCGC-3'